The following is an entry in ClinVar:

ClinVar aggregate classification (germline): Uncertain significance. Review status: criteria provided, multiple submitters, no conflicts (2 of 4 stars). 4 submissions from 4 submitters: Uncertain significance (4). Last evaluated 2025-05-19.

Conditions:
Polyps, multiple and recurrent inflammatory fibroid, gastrointestinal. Identifiers: MedGen C5193005, MONDO:0008285, OMIM 175510.
Gastrointestinal stromal tumor. Also called: Gastrointestinal stroma tumor; Gastrointestinal stromal tumor, somatic. Identifiers: Orphanet 44890, MedGen C0238198, MeSH D046152, MONDO:0011719, OMIM 606764, HP:0100723.
Hereditary cancer-predisposing syndrome. Also called: Hereditary neoplastic syndrome; Hereditary Cancer Syndrome; Tumor predisposition; Neoplastic Syndromes, Hereditary. Identifiers: Orphanet 140162, MedGen C0027672, MeSH D009386, MONDO:0015356.

Allele frequency attached by ClinVar (database versions not stated): gnomAD exomes below 0.00001; gnomAD 0.00001.
gnomAD v4.1: 15 of 1,613,742 alleles (0.00093%); highest among the groups gnomAD compares: East Asian, 0.0022%; no homozygotes.

Submissions (4):

Labcorp Genetics (formerly Invitae), Labcorp
Classification: Uncertain significance for Gastrointestinal stromal tumor. Last evaluated: 2025-05-19. Review status: criteria provided, single submitter. Criteria: Invitae Variant Classification Sherloc (09022015). Collection method: clinical testing. Allele origin: germline.
Comment: This sequence change replaces tyrosine, which is neutral and polar, with cysteine, which is neutral and slightly polar, at codon 762 of the PDGFRA protein (p.Tyr762Cys). This variant is present in population databases (no rsID available, gnomAD 0.005%). This variant has not been reported in the literature in individuals affected with PDGFRA-related conditions. ClinVar contains an entry for this variant (Variation ID: 653558). Invitae Evidence Modeling of protein sequence and biophysical properties (such as structural, functional, and spatial information, amino acid conservation, physicochemical variation, residue mobility, and thermodynamic stability) has been performed for this missense variant. However, the output from this modeling did not meet the statistical confidence thresholds required to predict the impact of this variant on PDGFRA protein function. In summary, the available evidence is currently insufficient to determine the role of this variant in disease. Therefore, it has been classified as a Variant of Uncertain Significance.

Ambry Genetics
Classification: Uncertain significance for Hereditary cancer-predisposing syndrome. Last evaluated: 2025-04-14. Review status: criteria provided, single submitter. Criteria: Ambry Variant Classification Scheme 2023. Collection method: clinical testing. Allele origin: germline.
Comment: The p.Y762C variant (also known as c.2285A>G), located in coding exon 15 of the PDGFRA gene, results from an A to G substitution at nucleotide position 2285. The tyrosine at codon 762 is replaced by cysteine, an amino acid with highly dissimilar properties. This amino acid position is highly conserved in available vertebrate species. In addition, this alteration is predicted to be deleterious by in silico analysis. Based on the available evidence, the clinical significance of this variant remains unclear.

Baylor Genetics
Classification: Uncertain significance for Polyps, multiple and recurrent inflammatory fibroid, gastrointestinal. Last evaluated: 2024-01-07. Review status: criteria provided, single submitter. Criteria: ACMG Guidelines, 2015. Collection method: clinical testing. Allele origin: unknown.

GeneDx
Classification: Uncertain significance. Last evaluated: 2024-01-07. Review status: criteria provided, single submitter. Criteria: GeneDx Variant Classification Process June 2021. Collection method: clinical testing. Allele origin: germline.
Comment: Not observed at significant frequency in large population cohorts (gnomAD); In silico analysis supports that this missense variant has a deleterious effect on protein structure/function; Not observed in any cases, but was observed in unaffected controls from a melanoma study (PMID: 29641532); This variant is associated with the following publications: (PMID: 29641532)

NM_006206.6(PDGFRA):c.2285A>G (p.Tyr762Cys)

Gene: PDGFRA (platelet derived growth factor receptor alpha; plus strand). Cytogenetic location: 4q12.
Variant type: single nucleotide variant.
Coding change: c.2285A>G on transcript NM_006206.6 (MANE Select); coding-DNA position 2285, A replaced by G.
Protein change: p.Tyr762Cys; replaces tyrosine 762 with cysteine.
Molecular consequence: missense variant.
Genome position (GRCh38, 1-based): chr4:54,280,444, A>G. VCF-style: chr4-54280444-A-G. GRCh37 (hg19) VCF-style: chr4-55146611-A-G.
Other names: c.2285A>G, p.Tyr762Cys (NM_001347827.2, NM_001347829.2); c.2360A>G, p.Tyr787Cys (NM_001347828.2); c.2324A>G, p.Tyr775Cys (NM_001347830.2); short protein forms Y787C, Y762C, Y775C.
Identifiers: ClinVar variation 653558 (VCV000653558.14), dbSNP rs1171641135, ClinGen allele CA356894477.